The following is an entry in ClinVar:

ClinVar aggregate classification (germline): Uncertain significance (1 of 4 stars; one submission).

Conditions:
Meckel-Gruber syndrome. Also called: DYSENCEPHALIA SPLANCHNOCYSTICA; GRUBER SYNDROME; Dysencephalia splachnocystica. Identifiers: Orphanet 564, MedGen C0265215, MONDO:0018921.
Joubert syndrome. Also called: CEREBELLOPARENCHYMAL DISORDER IV; JOUBERT-BOLTSHAUSER SYNDROME; Familial aplasia of the vermis. Identifiers: Orphanet 475, MedGen C5979921, MONDO:0018772.

Allele frequency attached by ClinVar (database versions not stated): gnomAD 0.00001; TOPMed 0.00001; gnomAD exomes below 0.00001.
gnomAD v4.1: 7 of 1,613,268 alleles (0.00043%); highest among the groups gnomAD compares: Non-Finnish European, 0.00059%; no homozygotes.

Submission:

Labcorp Genetics (formerly Invitae), Labcorp
Classification: Uncertain significance for Joubert syndrome; Meckel-Gruber syndrome. Last evaluated: 2021-10-22. Review status: criteria provided, single submitter. Criteria: Invitae Variant Classification Sherloc (09022015). Collection method: clinical testing. Allele origin: germline.
Comment: This sequence change replaces proline, which is neutral and non-polar, with leucine, which is neutral and non-polar, at codon 6 of the TCTN2 protein (p.Pro6Leu). This variant is present in population databases (no rsID available, gnomAD 0.007%). This variant has not been reported in the literature in individuals affected with TCTN2-related conditions. Algorithms developed to predict the effect of missense changes on protein structure and function output the following: SIFT: "Deleterious"; PolyPhen-2: "Not Available"; Align-GVGD: "Class C0". The leucine amino acid residue is found in multiple mammalian species, which suggests that this missense change does not adversely affect protein function. In summary, the available evidence is currently insufficient to determine the role of this variant in disease. Therefore, it has been classified as a Variant of Uncertain Significance.

NM_024809.5(TCTN2):c.17C>T (p.Pro6Leu)

Gene: TCTN2 (tectonic family member 2; plus strand). Cytogenetic location: 12q24.31.
Variant type: single nucleotide variant.
Coding change: c.17C>T on transcript NM_024809.5 (MANE Select); coding-DNA position 17, C replaced by T.
Protein change: p.Pro6Leu; replaces proline 6 with leucine.
Molecular consequence: missense variant.
Genome position (GRCh38, 1-based): chr12:123,671,257, C>T. VCF-style: chr12-123671257-C-T. GRCh37 (hg19) VCF-style: chr12-124155804-C-T.
Other names: c.17C>T, p.Pro6Leu (NM_001143850.3); short protein forms P6L.
Identifiers: ClinVar variation 1446177 (VCV001446177.3), dbSNP rs1362649464, ClinGen allele CA387154818.